The following is an entry in ClinVar:

NM_000363.5(TNNI3):c.211G>T (p.Glu71Ter)

Gene: TNNI3 (troponin I3, cardiac type; minus strand). Cytogenetic location: 19q13.42.
Variant type: single nucleotide variant.
Coding change: c.211G>T on transcript NM_000363.5 (MANE Select); coding-DNA position 211, G replaced by T.
Protein change: p.Glu71Ter; replaces glutamic acid 71 with a stop codon.
Molecular consequence: nonsense.
Genome position (GRCh38, 1-based): chr19:55,156,272, C>A on the plus strand (G>T on the coding strand, the complement: TNNI3 is on the minus strand). VCF-style: chr19-55156272-C-A. GRCh37 (hg19) VCF-style: chr19-55667640-C-A.
Other names: short protein forms E71*.
Identifiers: ClinVar variation 3386102 (VCV003386102.1).

ClinVar aggregate classification (germline): Uncertain significance (1 of 4 stars; one submission).

Conditions:
Hypertrophic cardiomyopathy. Also called: HYPERTROPHIC MYOCARDIOPATHY. Identifiers: Orphanet 217569, MedGen C0007194, MeSH D002312, MONDO:0005045, HP:0001639.

gnomAD v4.1: 1 of 1,611,454 alleles (0.000062%); highest among the groups gnomAD compares: South Asian, 0.0011%; no homozygotes.

Submission:

All of Us Research Program, National Institutes of Health
Classification: Uncertain significance for Hypertrophic cardiomyopathy. Last evaluated: 2024-05-14. Review status: criteria provided, single submitter. Criteria: ACMG Guidelines, 2015. Collection method: clinical testing. Allele origin: germline. Inheritance: Autosomal dominant inheritance. Observed: 1 variant allele, 1 heterozygote.
Comment: This variant changes 1 nucleotide in exon 5 of the TNNI3 gene, creating a premature translation stop signal. This variant is expected to result in an absent or non-functional protein product. To our knowledge, this variant has not been reported in individuals affected with TNNI3-related disorders in the literature. This variant has not been identified in the general population by the Genome Aggregation Database (gnomAD). Clinical relevance of loss-of-function TNNI3 truncation variants in autosomal dominant cardiovascular disorders is not clearly established. The available evidence is insufficient to determine the role of this variant in disease conclusively. Therefore, this variant is classified as a Variant of Uncertain Significance.

This study involves interpretation of variants in research participants for the purpose of population health screening. Participant phenotype was not available at the time of variant classification. Additional details can be found in publication PMID: 35346344, PMCID: PMC8962531